The following is an entry in ClinVar:

NM_000038.6(APC):c.7653C>T (p.His2551=)

Gene: APC (APC regulator of Wnt signaling pathway; plus strand). Cytogenetic location: 5q22.2.
Variant type: single nucleotide variant.
Coding change: c.7653C>T on transcript NM_000038.6 (MANE Select); coding-DNA position 7653, C replaced by T.
Protein change: p.His2551=; no amino-acid change (histidine 2551 retained).
Molecular consequence: synonymous variant.
Genome position (GRCh38, 1-based): chr5:112,843,247, C>T. VCF-style: chr5-112843247-C-T. GRCh37 (hg19) VCF-style: chr5-112178944-C-T.
Other names: c.7653C>T, p.His2551= (NM_001127510.3, NM_001354895.2); c.7599C>T, p.His2533= (NM_001127511.3); c.7707C>T, p.His2569= (NM_001354896.2); c.7683C>T, p.His2561= (NM_001354897.2); c.7578C>T, p.His2526= (NM_001354898.2); c.7569C>T, p.His2523= (NM_001354899.2); c.7530C>T, p.His2510= (NM_001354900.2); c.7476C>T, p.His2492= (NM_001354901.2); and 5 more.
Identifiers: ClinVar variation 758043 (VCV000758043.10), dbSNP rs1248219316, ClinGen allele CA446211111.
Genomic context (GRCh38, chr5:112,843,247, plus strand): 5'-TCATTCTGAAAGTCCTTCTAGACTTCCAATCAATAGGTCAGGAACCTGGAAACGTGAGCA[C>T]AGCAAACATTCATCATCCCTTCCTCGAGTAAGCACTTGGAGAAGAACTGGAAGTTCATCT-3'
Protein context (NP_000029.2, residues 2541-2561): INRSGTWKRE[His2551=]SKHSSSLPRV

ClinVar aggregate classification (germline): Benign/Likely benign. Review status: criteria provided, multiple submitters, no conflicts (2 of 4 stars). 2 submissions from 2 submitters: Benign (1); Likely benign (1). Last evaluated 2025-10-23.

Conditions:
Familial adenomatous polyposis 1 (FAP1). Also called: POLYPOSIS, ADENOMATOUS INTESTINAL; FAMILIAL ADENOMATOUS POLYPOSIS 1, ATTENUATED. Identifiers: MedGen C2713442, MONDO:0021056, OMIM 175100. Disease mechanism: loss of function.

Allele frequency attached by ClinVar (database versions not stated): gnomAD exomes below 0.00001.
gnomAD v4.1: 2 of 1,613,838 alleles (0.00012%); highest among the groups gnomAD compares: Non-Finnish European, 0.00017%; no homozygotes.

Submissions (2):

Labcorp Genetics (formerly Invitae), Labcorp
Classification: Likely benign for Familial adenomatous polyposis 1. Last evaluated: 2025-10-23. Review status: criteria provided, single submitter. Criteria: Invitae Variant Classification Sherloc (09022015). Collection method: clinical testing. Allele origin: germline.

Myriad Genetics, Inc.
Classification: Benign for Familial adenomatous polyposis 1. Last evaluated: 2024-04-10. Review status: criteria provided, single submitter. Criteria: Myriad Autosomal Dominant, Autosomal Recessive and X-Linked Classification Criteria (2023). Collection method: clinical testing. Allele origin: unknown.
Comment: This variant is considered benign. This variant is a silent/synonymous amino acid change and it is not expected to impact splicing.